The following is an entry in ClinVar:

ClinVar aggregate classification (germline): Uncertain significance (1 of 4 stars; one submission).

Conditions:
Combined immunodeficiency due to DOCK8 deficiency (HIES2). Also called: HYPER-IgE SYNDROME 2, AUTOSOMAL RECESSIVE, WITH RECURRENT INFECTIONS; HIES autosomal recessive; DOCK8 Deficiency; Hyper-IgE recurrent infection syndrome, autosomal recessive; HYPER-IgE RECURRENT INFECTION SYNDROME 2, AUTOSOMAL RECESSIVE. Identifiers: Orphanet 217390, MedGen C4722305, MONDO:0009478, OMIM 243700.

Allele frequency attached by ClinVar (database versions not stated): gnomAD exomes 0.00001.
gnomAD v4.1: 10 of 1,613,852 alleles (0.00062%); highest among the groups gnomAD compares: Non-Finnish European, 0.00068%; no homozygotes.

Submission:

Labcorp Genetics (formerly Invitae), Labcorp
Classification: Uncertain significance for Combined immunodeficiency due to DOCK8 deficiency. Last evaluated: 2021-08-24. Review status: criteria provided, single submitter. Criteria: Invitae Variant Classification Sherloc (09022015). Collection method: clinical testing. Allele origin: germline.
Comment: This sequence change replaces arginine with glutamine at codon 878 of the DOCK8 protein (p.Arg878Gln). The arginine residue is moderately conserved and there is a small physicochemical difference between arginine and glutamine. This variant is not present in population databases (ExAC no frequency). This variant has not been reported in the literature in individuals affected with DOCK8-related conditions. Algorithms developed to predict the effect of missense changes on protein structure and function are either unavailable or do not agree on the potential impact of this missense change (SIFT: "Deleterious"; PolyPhen-2: "Possibly Damaging"; Align-GVGD: "Class C0"). Algorithms developed to predict the effect of sequence changes on RNA splicing suggest that this variant may create or strengthen a splice site. In summary, the available evidence is currently insufficient to determine the role of this variant in disease. Therefore, it has been classified as a Variant of Uncertain Significance.

NM_203447.4(DOCK8):c.2633G>A (p.Arg878Gln)

Gene: DOCK8 (dedicator of cytokinesis 8; plus strand). Cytogenetic location: 9p24.3.
Variant type: single nucleotide variant.
Coding change: c.2633G>A on transcript NM_203447.4 (MANE Select); coding-DNA position 2633, G replaced by A.
Protein change: p.Arg878Gln; replaces arginine 878 with glutamine.
Molecular consequence: missense variant.
Genome position (GRCh38, 1-based): chr9:382,540, G>A. VCF-style: chr9-382540-G-A. GRCh37 (hg19) VCF-style: chr9-382540-G-A.
Other names: c.2429G>A, p.Arg810Gln (NM_001190458.2, NM_001193536.2); short protein forms R878Q, R810Q.
Identifiers: ClinVar variation 1439646 (VCV001439646.5), dbSNP rs2131298047, ClinGen allele CA372765181.
Genomic context (GRCh38, chr9:382,540, plus strand): 5'-TCTGTTGACATGTCTCTGCCTGGTGGGGTGCAGGCGCTCCCACTGCCCTCCTAGACCCTC[G>A]GAGCTACCACACGTATGGCCGCACATCAGCTGCTGCTGTGAGTTCAAAGCTGCTGCAGGC-3'
Protein context (NP_982272.2, residues 868-888): SGAPTALLDP[Arg878Gln]SYHTYGRTSA